The following is an entry in ClinVar:

NM_012431.3(SEMA3E):c.622C>T (p.Arg208Ter)

Gene: SEMA3E (semaphorin 3E; minus strand). Cytogenetic location: 7q21.11.
Variant type: single nucleotide variant.
Coding change: c.622C>T on transcript NM_012431.3 (MANE Select); coding-DNA position 622, C replaced by T.
Protein change: p.Arg208Ter; replaces arginine 208 with a stop codon.
Molecular consequence: nonsense.
Genome position (GRCh38, 1-based): chr7:83,408,416, G>A on the plus strand (C>T on the coding strand, the complement: SEMA3E is on the minus strand). VCF-style: chr7-83408416-G-A. GRCh37 (hg19) VCF-style: chr7-83037732-G-A.
Other names: c.622C>T (NM_012431.2); c.442C>T, p.Arg148Ter (NM_001178129.2); short protein forms R148*, R208*.
Identifiers: ClinVar variation 4896470 (VCV004896470.2).

ClinVar aggregate classification (germline): Uncertain significance. Review status: criteria provided, multiple submitters, no conflicts (2 of 4 stars). 2 submissions from 2 submitters: Uncertain significance (2). Last evaluated 2025-03-26.

Conditions:
SEMA3E-related disorder. Also called: SEMA3E-related condition.

Submissions (2):

PreventionGenetics, part of Exact Sciences
Classification: Uncertain significance for SEMA3E-related condition. Last evaluated: 2025-03-26. Review status: criteria provided, single submitter. Criteria: ACMG Guidelines, 2015. Collection method: clinical testing. Allele origin: germline.
Comment: The SEMA3E c.622C>T variant is predicted to result in premature protein termination (p.Arg208*). To our knowledge, this variant has not been reported in the literature or in a large population database (gnomAD), indicating this variant is rare. At this time, the clinical significance of this variant is uncertain due to the absence of conclusive functional and genetic evidence.

Blueprint Genetics
Classification: Uncertain significance. Last evaluated: 2022-09-07. Review status: criteria provided, single submitter. Criteria: ACMG Guidelines, 2015. Collection method: clinical testing. Allele origin: germline.